The following is an entry in ClinVar:

NM_006766.5(KAT6A):c.3010A>T (p.Ile1004Phe)

Gene: KAT6A (lysine acetyltransferase 6A; minus strand). Cytogenetic location: 8p11.21.
Variant type: single nucleotide variant.
Coding change: c.3010A>T on transcript NM_006766.5 (MANE Select); coding-DNA position 3010, A replaced by T.
Protein change: p.Ile1004Phe; replaces isoleucine 1004 with phenylalanine.
Molecular consequence: missense variant.
Genome position (GRCh38, 1-based): chr8:41,940,871, T>A on the plus strand (A>T on the coding strand, the complement: KAT6A is on the minus strand). VCF-style: chr8-41940871-T-A. GRCh37 (hg19) VCF-style: chr8-41798389-T-A.
Other names: short protein forms I1004F.
Identifiers: ClinVar variation 3607864 (VCV003607864.2).

ClinVar aggregate classification (germline): Uncertain significance (1 of 4 stars; one submission).

gnomAD v4.1: 2 of 1,613,044 alleles (0.00012%); highest among the groups gnomAD compares: Admixed American, 0.0033%; no homozygotes.

Submission:

Labcorp Genetics (formerly Invitae), Labcorp
Classification: Uncertain significance. Last evaluated: 2025-11-05. Review status: criteria provided, single submitter. Criteria: Invitae Variant Classification Sherloc (09022015). Collection method: clinical testing. Allele origin: germline.
Comment: This sequence change replaces isoleucine, which is neutral and non-polar, with phenylalanine, which is neutral and non-polar, at codon 1004 of the KAT6A protein (p.Ile1004Phe). This variant is not present in population databases (gnomAD no frequency). This variant has not been reported in the literature in individuals affected with KAT6A-related conditions. ClinVar contains an entry for this variant (Variation ID: 3607864). Invitae Evidence Modeling of protein sequence and biophysical properties (such as structural, functional, and spatial information, amino acid conservation, physicochemical variation, residue mobility, and thermodynamic stability) indicates that this missense variant is not expected to disrupt KAT6A protein function with a negative predictive value of 95%. In summary, the available evidence is currently insufficient to determine the role of this variant in disease. Therefore, it has been classified as a Variant of Uncertain Significance.